The following is an entry in ClinVar:

ClinVar aggregate classification (germline): Conflicting classifications of pathogenicity. Review status: criteria provided, conflicting classifications (1 of 4 stars). 4 submissions from 4 submitters: Uncertain significance (1); Benign (1); Likely benign (1). 1 of the submissions does not count toward it. Last evaluated 2025-08-11.

Conditions:
RAI1-related disorder. Also called: RAI1-related condition.
Inborn genetic diseases. Identifiers: MedGen C0950123, MeSH D030342.

Allele frequency attached by ClinVar (database versions not stated): gnomAD exomes 0.00006; ExAC 0.00008; TOPMed 0.00008.
gnomAD v4.1: 97 of 1,613,730 alleles (0.006%); highest among the groups gnomAD compares: African/African-American, 0.013%; no homozygotes.

Submissions (4):

Labcorp Genetics (formerly Invitae), Labcorp
Classification: Likely benign. Last evaluated: 2025-08-11. Review status: criteria provided, single submitter. Criteria: Invitae Variant Classification Sherloc (09022015). Collection method: clinical testing. Allele origin: germline.

Ambry Genetics
Classification: Benign for Inborn genetic diseases. Last evaluated: 2019-12-04. Review status: criteria provided, single submitter. Criteria: Ambry Variant Classification Scheme 2023. Collection method: clinical testing. Allele origin: germline.

Eurofins Ntd Llc (ga)
Classification: Uncertain significance. Last evaluated: 2016-06-23. Review status: criteria provided, single submitter. Criteria: EGL Classification Definitions 2015. Collection method: clinical testing. Allele origin: germline. Observed: 1 variant allele, 1 heterozygote.

PreventionGenetics, part of Exact Sciences
Classification: Likely benign for RAI1-related condition. Last evaluated: 2023-08-23. Review status: no assertion criteria provided. Collection method: clinical testing. Allele origin: germline. Not counted in ClinVar's aggregate classification.
Comment: This variant is classified as likely benign based on ACMG/AMP sequence variant interpretation guidelines (Richards et al. 2015 PMID: 25741868, with internal and published modifications).

NM_030665.4(RAI1):c.4711G>A (p.Ala1571Thr)

Gene: RAI1 (retinoic acid induced 1; plus strand). Cytogenetic location: 17p11.2.
Variant type: single nucleotide variant.
Coding change: c.4711G>A on transcript NM_030665.4 (MANE Select); coding-DNA position 4711, G replaced by A.
Protein change: p.Ala1571Thr; replaces alanine 1571 with threonine.
Molecular consequence: missense variant.
Genome position (GRCh38, 1-based): chr17:17,797,659, G>A. VCF-style: chr17-17797659-G-A. GRCh37 (hg19) VCF-style: chr17-17700973-G-A.
Other names: short protein forms A1571T.
Identifiers: ClinVar variation 288885 (VCV000288885.16), dbSNP rs779651867, ClinGen allele CA8419012.